The following is an entry in ClinVar:

ClinVar aggregate classification (germline): Uncertain significance. Review status: criteria provided, multiple submitters, no conflicts (2 of 4 stars). 2 submissions from 2 submitters: Uncertain significance (2). Last evaluated 2023-02-06.

Allele frequency attached by ClinVar (database versions not stated): gnomAD exomes below 0.00001.
gnomAD v4.1: 1 of 1,611,998 alleles (0.000062%); highest among the groups gnomAD compares: Non-Finnish European, 0.000085%; no homozygotes.

Submissions (2):

Labcorp Genetics (formerly Invitae), Labcorp
Classification: Uncertain significance. Last evaluated: 2023-02-06. Review status: criteria provided, single submitter. Criteria: Invitae Variant Classification Sherloc (09022015). Collection method: clinical testing. Allele origin: germline.
Comment: In summary, the available evidence is currently insufficient to determine the role of this variant in disease. Therefore, it has been classified as a Variant of Uncertain Significance. Algorithms developed to predict the effect of missense changes on protein structure and function are either unavailable or do not agree on the potential impact of this missense change (SIFT: "Deleterious"; PolyPhen-2: "Benign"; Align-GVGD: "Class C15"). ClinVar contains an entry for this variant (Variation ID: 1001300). This variant has not been reported in the literature in individuals affected with KLHL7-related conditions. This variant is not present in population databases (gnomAD no frequency). This sequence change replaces valine, which is neutral and non-polar, with methionine, which is neutral and non-polar, at codon 109 of the KLHL7 protein (p.Val109Met).

Blueprint Genetics
Classification: Uncertain significance. Last evaluated: 2021-04-14. Review status: criteria provided, single submitter. Criteria: ACMG Guidelines, 2015. Collection method: clinical testing. Allele origin: germline.

NM_001031710.3(KLHL7):c.325G>A (p.Val109Met)

Gene: KLHL7 (kelch like family member 7; plus strand). Cytogenetic location: 7p15.3.
Variant type: single nucleotide variant.
Coding change: c.325G>A on transcript NM_001031710.3 (MANE Select); coding-DNA position 325, G replaced by A.
Protein change: p.Val109Met; replaces valine 109 with methionine.
Molecular consequence: missense variant. On other transcripts: non-coding transcript variant (2).
Genome position (GRCh38, 1-based): chr7:23,125,055, G>A. VCF-style: chr7-23125055-G-A. GRCh37 (hg19) VCF-style: chr7-23164674-G-A.
Other names: c.325G>A, p.Val109Met (NM_001172428.2); c.181G>A, p.Val61Met (NM_018846.5); short protein forms V109M, V61M.
Identifiers: ClinVar variation 1001300 (VCV001001300.9), dbSNP rs1783517137, ClinGen allele CA366975509.